The following is an entry in ClinVar:

ClinVar aggregate classification (germline): Uncertain significance (1 of 4 stars; one submission).

Conditions:
Arrhythmogenic right ventricular dysplasia 9 (ARVD9). Also called: ARRHYTHMOGENIC RIGHT VENTRICULAR DYSPLASIA, FAMILIAL, 9; Arrhythmogenic Right Ventricular Dysplasia/Cardiomyopathy 9. Identifiers: MedGen C1836906, MONDO:0012180, OMIM 609040.

Allele frequency attached by ClinVar (database versions not stated): TOPMed 0.00001; gnomAD 0.00002.
gnomAD v4.1: 3 of 1,611,988 alleles (0.00019%); highest among the groups gnomAD compares: African/African-American, 0.004%; no homozygotes.

Submission:

Labcorp Genetics (formerly Invitae), Labcorp
Classification: Uncertain significance for Arrhythmogenic right ventricular dysplasia 9. Last evaluated: 2021-09-24. Review status: criteria provided, single submitter. Criteria: Invitae Variant Classification Sherloc (09022015). Collection method: clinical testing. Allele origin: germline.
Comment: This sequence change replaces glycine with serine at codon 121 of the PKP2 protein (p.Gly121Ser). The glycine residue is weakly conserved and there is a small physicochemical difference between glycine and serine. This variant is not present in population databases (ExAC no frequency). This variant has not been reported in the literature in individuals with PKP2-related conditions. Algorithms developed to predict the effect of missense changes on protein structure and function output the following: SIFT: "Tolerated"; PolyPhen-2: "Benign"; Align-GVGD: "Class C0". The serine amino acid residue is found in multiple mammalian species, suggesting that this missense change does not adversely affect protein function. These predictions have not been confirmed by published functional studies and their clinical significance is uncertain. In summary, the available evidence is currently insufficient to determine the role of this variant in disease. Therefore, it has been classified as a Variant of Uncertain Significance.

NM_001005242.3(PKP2):c.361G>A (p.Gly121Ser)

Gene: PKP2 (plakophilin 2; minus strand). Cytogenetic location: 12p11.21.
Variant type: single nucleotide variant.
Coding change: c.361G>A on transcript NM_001005242.3 (MANE Select); coding-DNA position 361, G replaced by A.
Protein change: p.Gly121Ser; replaces glycine 121 with serine.
Molecular consequence: missense variant.
Genome position (GRCh38, 1-based): chr12:32,878,519, C>T on the plus strand (G>A on the coding strand, the complement: PKP2 is on the minus strand). VCF-style: chr12-32878519-C-T. GRCh37 (hg19) VCF-style: chr12-33031453-C-T.
Other names: c.361G>A, p.Gly121Ser (NM_004572.4); short protein forms G121S.
Identifiers: ClinVar variation 1346436 (VCV001346436.5), dbSNP rs1295581142, ClinGen allele CA384365468.